The following is an entry in ClinVar:

NM_007055.4(POLR3A):c.3700G>A (p.Ala1234Thr)

Gene: POLR3A (RNA polymerase III subunit A; minus strand). Cytogenetic location: 10q22.3.
Variant type: single nucleotide variant.
Coding change: c.3700G>A on transcript NM_007055.4 (MANE Select); coding-DNA position 3700, G replaced by A.
Protein change: p.Ala1234Thr; replaces alanine 1234 with threonine.
Molecular consequence: missense variant.
Genome position (GRCh38, 1-based): chr10:77,982,213, C>T on the plus strand (G>A on the coding strand, the complement: POLR3A is on the minus strand). VCF-style: chr10-77982213-C-T. GRCh37 (hg19) VCF-style: chr10-79741971-C-T.
Other names: short protein forms A1234T.
Identifiers: ClinVar variation 1499414 (VCV001499414.6), dbSNP rs2131927777, ClinGen allele CA377327386.
Genomic context (GRCh38, chr10:77,982,213, plus strand): 5'-CCTCATAGGTGTTATTGGAGGTGGTTCGGGTGCCCTTCACACCGTGTGTGGCCATGACTG[C>T]CCGCAGGTTATCACCTTCCACCAGAAGCTTGTACTTCTCCTTTCCACTCTGCTCGTCAAT-3'
Protein context (NP_008986.2, residues 1224-1244): KLLVEGDNLR[Ala1234Thr]VMATHGVKGT

ClinVar aggregate classification (germline): Uncertain significance (1 of 4 stars; one submission).

Allele frequency attached by ClinVar (database versions not stated): gnomAD exomes below 0.00001.
gnomAD v4.1: 4 of 1,614,056 alleles (0.00025%); highest among the groups gnomAD compares: Non-Finnish European, 0.00034%; no homozygotes.

Submission:

Labcorp Genetics (formerly Invitae), Labcorp
Classification: Uncertain significance. Last evaluated: 2021-12-02. Review status: criteria provided, single submitter. Criteria: Invitae Variant Classification Sherloc (09022015). Collection method: clinical testing. Allele origin: germline.
Comment: In summary, the available evidence is currently insufficient to determine the role of this variant in disease. Therefore, it has been classified as a Variant of Uncertain Significance. Algorithms developed to predict the effect of missense changes on protein structure and function (SIFT, PolyPhen-2, Align-GVGD) all suggest that this variant is likely to be tolerated. This variant has not been reported in the literature in individuals affected with POLR3A-related conditions. This variant is not present in population databases (gnomAD no frequency). This sequence change replaces alanine, which is neutral and non-polar, with threonine, which is neutral and polar, at codon 1234 of the POLR3A protein (p.Ala1234Thr).